The following is an entry in ClinVar:

NM_152365.3(KDF1):c.1167G>A (p.Ser389=)

Gene: KDF1 (keratinocyte differentiation factor 1; minus strand). Cytogenetic location: 1p36.11.
Variant type: single nucleotide variant.
Coding change: c.1167G>A on transcript NM_152365.3 (MANE Select); coding-DNA position 1167, G replaced by A.
Protein change: p.Ser389=; no amino-acid change (serine 389 retained).
Molecular consequence: synonymous variant.
Genome position (GRCh38, 1-based): chr1:26,950,099, C>T on the plus strand (G>A on the coding strand, the complement: KDF1 is on the minus strand). VCF-style: chr1-26950099-C-T. GRCh37 (hg19) VCF-style: chr1-27276590-C-T.
Other names: c.1167G>A (NM_152365.2).
Identifiers: ClinVar variation 2040700 (VCV002040700.6), dbSNP rs144377897, ClinGen allele CA710132.
Genomic context (GRCh38, chr1:26,950,099, plus strand): 5'-AAAGGGTGTGGCAGCTGGGCCTGGCAGGGGTTAGCAGTACACCTGGAGCAAGGGTGCCCC[C>T]GACGAGTCTGTGTCGGTGCCCTGGAAGGATGAGTCATGGCTTGCTGGGTACCCTGGTAGG-3'
Protein context (NP_689578.2, residues 379-398): SSFQGTDTDS[Ser389=]GAPLLQVYC

ClinVar aggregate classification (germline): Benign. Review status: criteria provided, single submitter (1 of 4 stars). 2 submissions from 2 submitters: Benign (1). 1 of the submissions does not count toward it. Last evaluated 2024-01-29.

Conditions:
KDF1-related disorder. Also called: KDF1-related condition.

Allele frequency attached by ClinVar (database versions not stated): ExAC 0.00040; 1000 Genomes Project 30x 0.00234; gnomAD 0.00094; 1000 Genomes Project 0.00240; TOPMed 0.00112; ESP Exome Variant Server 0.00108.
gnomAD v4.1: 308 of 1,613,852 alleles (0.019%); highest among the groups gnomAD compares: African/African-American, 0.33%; 1 homozygote.

Submissions (2):

Labcorp Genetics (formerly Invitae), Labcorp
Classification: Benign. Last evaluated: 2024-01-29. Review status: criteria provided, single submitter. Criteria: Invitae Variant Classification Sherloc (09022015). Collection method: clinical testing. Allele origin: germline.

PreventionGenetics, part of Exact Sciences
Classification: Likely benign for KDF1-related condition. Last evaluated: 2019-05-28. Review status: no assertion criteria provided. Collection method: clinical testing. Allele origin: germline. Not counted in ClinVar's aggregate classification.
Comment: This variant is classified as likely benign based on ACMG/AMP sequence variant interpretation guidelines (Richards et al. 2015 PMID: 25741868, with internal and published modifications).